The following is an entry in ClinVar:

ClinVar aggregate classification (germline): Conflicting classifications of pathogenicity. Review status: criteria provided, conflicting classifications (1 of 4 stars). 4 submissions from 4 submitters: Likely pathogenic (1); Uncertain significance (3). Last evaluated 2025-02-03.

Conditions:
Café-au-lait macules with pulmonary stenosis (WTSN). Also called: PULMONIC STENOSIS WITH CAFE-AU-LAIT SPOTS. Identifiers: MedGen C0553586, MONDO:0008672, OMIM 193520.
Neurofibromatosis, familial spinal (FSNF). Identifiers: Orphanet 636, MedGen C1834235, MONDO:0008078, OMIM 162210. Disease mechanism: loss of function.
Neurofibromatosis, type 1 (NF1). Also called: Neurofibromatosis, type I; VON RECKLINGHAUSEN DISEASE; Peripheral type neurofibromatosis; NEUROFIBROMATOSIS, TYPE I, SOMATIC. Identifiers: Orphanet 636, MedGen C0027831, MONDO:0018975, OMIM 162200. Disease mechanism: loss of function.
Neurofibromatosis-Noonan syndrome (NFNS). Also called: NEUROFIBROMATOSIS WITH NOONAN PHENOTYPE. Identifiers: Orphanet 638, MedGen C2931482, MONDO:0011035, OMIM 601321. Disease mechanism: loss of function.
Juvenile myelomonocytic leukemia (JMML). Also called: LEUKEMIA, JUVENILE MYELOMONOCYTIC, SOMATIC. Identifiers: Orphanet 86834, MedGen C0349639, MONDO:0011908, OMIM 607785, HP:0012209.

Allele frequency attached by ClinVar (database versions not stated): gnomAD exomes below 0.00001.
gnomAD v4.1: 1 of 1,614,160 alleles (0.000062%); highest among the groups gnomAD compares: Non-Finnish European, 0.000085%; no homozygotes.

Submissions (4):

Labcorp Genetics (formerly Invitae), Labcorp
Classification: Likely pathogenic for Neurofibromatosis, type 1. Last evaluated: 2025-02-03. Review status: criteria provided, single submitter. Criteria: Invitae Variant Classification Sherloc (09022015). Collection method: clinical testing. Allele origin: germline.
Comment: This sequence change replaces alanine, which is neutral and non-polar, with proline, which is neutral and non-polar, at codon 320 of the NF1 protein (p.Ala320Pro). This variant is not present in population databases (gnomAD no frequency). This missense change has been observed in individual(s) with clinical features of NF1-related conditions (PMID: 31573083; internal data). ClinVar contains an entry for this variant (Variation ID: 855966). Invitae Evidence Modeling of protein sequence and biophysical properties (such as structural, functional, and spatial information, amino acid conservation, physicochemical variation, residue mobility, and thermodynamic stability) indicates that this missense variant is expected to disrupt NF1 protein function with a positive predictive value of 95%. This variant disrupts the p.Ala320 amino acid residue in NF1. Other variant(s) that disrupt this residue have been determined to be pathogenic (internal data). This suggests that this residue is clinically significant, and that variants that disrupt this residue are likely to be disease-causing. In summary, the currently available evidence indicates that the variant is pathogenic, but additional data are needed to prove that conclusively. Therefore, this variant has been classified as Likely Pathogenic.

Genome-Nilou Lab
Classification: Uncertain significance for Neurofibromatosis, type 1. Last evaluated: 2022-03-15. Review status: criteria provided, single submitter. Criteria: ACMG Guidelines, 2015. Collection method: clinical testing. Allele origin: germline. Affected: no.

GeneDx
Classification: Uncertain significance. Last evaluated: 2021-03-23. Review status: criteria provided, single submitter. Criteria: GeneDx Variant Classification Process June 2021. Collection method: clinical testing. Allele origin: germline. Affected: yes.
Comment: Not observed in large population cohorts (Lek et al., 2016); In silico analysis supports that this missense variant has a deleterious effect on protein structure/function; Observed in individuals with multiple cafe au lait macules (Castellanos et al., 2020); This variant is associated with the following publications: (PMID: 31573083)

Juno Genomics, Hangzhou Juno Genomics, Inc
Classification: Uncertain significance for Café-au-lait macules with pulmonary stenosis; Neurofibromatosis, type 1; Juvenile myelomonocytic leukemia; Neurofibromatosis, familial spinal; Neurofibromatosis-Noonan syndrome. Review status: criteria provided, single submitter. Criteria: ACMG Guidelines, 2015. Collection method: clinical testing. Allele origin: germline. Affected: yes.
Comment: Absent from controls (or at extremely low frequency if recessive) in Genome Aggregation Database, Exome Sequencing Project, 1000 Genomes Project, or Exome Aggregation Consortium.;Missense variant in a gene that has a low rate of benign missense variation and where missense variants are a common mechanism of disease.;Novel missense change at an amino acid residue where a different missense change determined to be pathogenic has been seen before.;The prevalence of the variant in affected individuals is significantly increased compared to the prevalence in controls.;Patient's phenotype or family history is highly specific for a disease with a single genetic etiology.

Literature cited by the submitters: PubMed 31573083 (cited by Labcorp Genetics (formerly Invitae), Labcorp).

NM_001042492.3(NF1):c.958G>C (p.Ala320Pro)

Gene: NF1 (neurofibromin 1; plus strand). Cytogenetic location: 17q11.2.
Variant type: single nucleotide variant.
Coding change: c.958G>C on transcript NM_001042492.3 (MANE Select); coding-DNA position 958, G replaced by C.
Protein change: p.Ala320Pro; replaces alanine 320 with proline.
Molecular consequence: missense variant.
Genome position (GRCh38, 1-based): chr17:31,200,491, G>C. VCF-style: chr17-31200491-G-C. GRCh37 (hg19) VCF-style: chr17-29527509-G-C.
Other names: c.958G>C, p.Ala320Pro (NM_000267.4, NM_001128147.3); short protein forms A320P.
Identifiers: ClinVar variation 855966 (VCV000855966.10), dbSNP rs2066507272, ClinGen allele CA398995892.